The following is an entry in ClinVar:

NM_000255.4(MMUT):c.385+31del

Gene: MMUT (methylmalonyl-CoA mutase; minus strand). Cytogenetic location: 6p12.3.
Variant type: Deletion.
Coding change: c.385+31del on transcript NM_000255.4 (MANE Select); 31 bases into the intron after coding-DNA position 385, one base deleted (T; older notation c.385+31delT).
Molecular consequence: intron variant.
Genome position (GRCh38, 1-based): chr6:49,459,051, A deleted on the plus strand (T on the coding strand, the reverse complement: MMUT is on the minus strand). VCF-style (leftmost placement, unchanged base first): chr6-49459050-CA-C. GRCh37 (hg19) VCF-style: chr6-49426763-CA-C.
Other names: KC594086.1.
Identifiers: ClinVar variation 100712 (VCV000100712.2), dbSNP rs483352788, ClinGen allele CA235527.

ClinVar aggregate classification (germline): not provided (0 of 4 stars; one submission).

Submission:

Medical Genetics Unit, Ain Shams University Pediatrics Hospital
No classification provided. Review status: no classification provided. Collection method: not provided. Allele origin: unknown.
Comment: Methylmalonic aciduria